The following is an entry in ClinVar:

ClinVar aggregate classification (germline): Uncertain significance (1 of 4 stars; one submission).

Conditions:
Inborn genetic diseases. Identifiers: MedGen C0950123, MeSH D030342.

Submission:

Ambry Genetics
Classification: Uncertain significance for Inborn genetic diseases. Last evaluated: 2025-05-09. Review status: criteria provided, single submitter. Criteria: Ambry Variant Classification Scheme 2023. Collection method: clinical testing. Allele origin: germline.
Comment: The p.W410R variant (also known as c.1228T>C), located in coding exon 14 of the FANCA gene, results from a T to C substitution at nucleotide position 1228. The tryptophan at codon 410 is replaced by arginine, an amino acid with dissimilar properties. This amino acid position is conserved. In addition, this alteration is predicted to be deleterious by in silico analysis. Based on the available evidence, the clinical significance of this variant remains unclear.

NM_000135.4(FANCA):c.1228T>C (p.Trp410Arg)

Gene: FANCA (FA complementation group A; minus strand). Cytogenetic location: 16q24.3.
Variant type: single nucleotide variant.
Coding change: c.1228T>C on transcript NM_000135.4 (MANE Select); coding-DNA position 1228, T replaced by C.
Protein change: p.Trp410Arg; replaces tryptophan 410 with arginine.
Molecular consequence: missense variant.
Genome position (GRCh38, 1-based): chr16:89,791,534, A>G on the plus strand (T>C on the coding strand, the complement: FANCA is on the minus strand). VCF-style: chr16-89791534-A-G. GRCh37 (hg19) VCF-style: chr16-89857942-A-G.
Other names: c.1228T>C, p.Trp410Arg (NM_001286167.3); short protein forms W410R.
Identifiers: ClinVar variation 4022252 (VCV004022252.1).
Genomic context (GRCh38, chr16:89,791,534, plus strand): 5'-CAGTGACCATGCTGTCCAGCTGGCAGCTCTCGAATGCCTGGGCCATCAAACGCGCCACCC[A>G]GTCTAGTTAAGAACCATGACATAGTCACAGCAAGGCAAGGGCAGCCAGCAGGAACATGAC-3'
Protein context (NP_000126.2, residues 400-420): FPEAQQLLED[Trp410Arg]VARLMAQAFE